The following is an entry in ClinVar:

NM_001042492.3(NF1):c.7727A>G (p.Asp2576Gly)

Gene: NF1 (neurofibromin 1; plus strand). Cytogenetic location: 17q11.2.
Variant type: single nucleotide variant.
Coding change: c.7727A>G on transcript NM_001042492.3 (MANE Select); coding-DNA position 7727, A replaced by G.
Protein change: p.Asp2576Gly; replaces aspartic acid 2576 with glycine.
Molecular consequence: missense variant.
Genome position (GRCh38, 1-based): chr17:31,356,571, A>G. VCF-style: chr17-31356571-A-G. GRCh37 (hg19) VCF-style: chr17-29683589-A-G.
Other names: c.7664A>G, p.Asp2555Gly (NM_000267.4); short protein forms D2555G, D2576G.
Identifiers: ClinVar variation 1063647 (VCV001063647.5), dbSNP rs2151581354, ClinGen allele CA399018218.

ClinVar aggregate classification (germline): Uncertain significance (1 of 4 stars; one submission).

Conditions:
Neurofibromatosis, type 1 (NF1). Also called: NEUROFIBROMATOSIS, TYPE I, SOMATIC; Neurofibromatosis, type I; VON RECKLINGHAUSEN DISEASE; Peripheral type neurofibromatosis. Identifiers: Orphanet 636, MedGen C0027831, MONDO:0018975, OMIM 162200. Disease mechanism: loss of function.

Submission:

Labcorp Genetics (formerly Invitae), Labcorp
Classification: Uncertain significance for Neurofibromatosis, type 1. Last evaluated: 2020-09-16. Review status: criteria provided, single submitter. Criteria: Invitae Variant Classification Sherloc (09022015). Collection method: clinical testing. Allele origin: germline.
Comment: This sequence change replaces aspartic acid with glycine at codon 2555 of the NF1 protein (p.Asp2555Gly). The aspartic acid residue is highly conserved and there is a moderate physicochemical difference between aspartic acid and glycine. This variant is not present in population databases (ExAC no frequency). This variant has not been reported in the literature in individuals with NF1-related conditions. Advanced modeling of protein sequence and biophysical properties (such as structural, functional, and spatial information, amino acid conservation, physicochemical variation, residue mobility, and thermodynamic stability) performed at Invitae indicates that this missense variant is not expected to disrupt NF1 protein function. In summary, the available evidence is currently insufficient to determine the role of this variant in disease. Therefore, it has been classified as a Variant of Uncertain Significance.